The following is an entry in ClinVar:

ClinVar aggregate classification (germline): Uncertain significance. Review status: criteria provided, multiple submitters, no conflicts (2 of 4 stars). 3 submissions from 3 submitters: Uncertain significance (3). Last evaluated 2026-02-25.

Conditions:
Progressive sclerosing poliodystrophy (MTDPS4A). Also called: ALPERS PROGRESSIVE INFANTILE POLIODYSTROPHY; Alpers Syndrome; ALPERS DIFFUSE DEGENERATION OF CEREBRAL GRAY MATTER WITH HEPATIC CIRRHOSIS; Mitochondrial DNA Depletion Syndrome 4A; NEURONAL DEGENERATION OF CHILDHOOD WITH LIVER DISEASE, PROGRESSIVE; Alpers-Huttenlocher Syndrome (AHS). Identifiers: Orphanet 726, MedGen C0205710, MONDO:0008758, OMIM 203700.
Progressive external ophthalmoplegia with mitochondrial DNA deletions, autosomal dominant 1 (PEOA1). Also called: Autosomal Dominant Progressive External Ophthalmoplegia (adPEO); PROGRESSIVE EXTERNAL OPHTHALMOPLEGIA, AUTOSOMAL DOMINANT 1. Identifiers: MedGen C1834846, MONDO:0024528, OMIM 157640.
Progressive external ophthalmoplegia with mitochondrial DNA deletions, autosomal recessive 1 (PEOB1). Also called: Progressive external ophthalmoplegia, autosomal recessive 1; Autosomal Recessive Progressive External Ophthalmoplegia (arPEO). Identifiers: Orphanet 254886, MedGen C4225153, MONDO:0009783, OMIM 258450.
Mitochondrial DNA depletion syndrome 1. Also called: Mitochondrial neurogastrointestinal encephalomyopathy syndrome; Mitochondrial DNA Depletion Syndrome, MNGIE Form; Mitochondrial DNA depletion syndrome 1 (MNGIE type); Mitochondrial Neurogastrointestinal Encephalopathy Disease; MITOCHONDRIAL NEUROGASTROINTESTINAL ENCEPHALOPATHY SYNDROME, TYMP-RELATED; MNGIE, TYMP-RELATED. Identifiers: Orphanet 298, MedGen C4551995, MONDO:0011283, OMIM 603041.
Sensory ataxic neuropathy, dysarthria, and ophthalmoparesis (SANDO). Also called: Epilepsy, progressive myoclonic, type 5; SENSORY ATAXIC NEUROPATHY WITH MITOCHONDRIAL DNA DELETIONS, AUTOSOMAL RECESSIVE; Ataxia Neuropathy Spectrum (ANS); Sensory ataxic neuropathy-dysarthria-ophthalmoparesis syndrome. Identifiers: Orphanet 70595, MedGen C1843851, MONDO:0011835, OMIM 607459.
Mitochondrial DNA depletion syndrome 4b. Also called: Mitochondrial Neurogastrointestinal Encephalopathy Disease, POLG-Related; MNGIE, POLG-RELATED. Identifiers: Orphanet 298, MedGen C3150914, MONDO:0013350, OMIM 613662.

Allele frequency attached by ClinVar (database versions not stated): gnomAD exomes 0.00002 and 0.00006; TOPMed 0.00002; gnomAD 0.00001; ExAC 0.00007.
gnomAD v4.1: 28 of 1,611,394 alleles (0.0017%); highest among the groups gnomAD compares: East Asian, 0.031%; no homozygotes.

Submissions (3):

GeneDx
Classification: Uncertain significance. Last evaluated: 2026-02-25. Review status: criteria provided, single submitter. Criteria: GeneDx Variant Classification Process June 2021. Collection method: clinical testing. Allele origin: germline.
Comment: In silico analysis supports that this missense variant has a deleterious effect on protein structure/function; Observed heterozygous state in patient with psychomotor delay, epilepsy, and leukoencephalopathy (PMID: 26968897); This variant is associated with the following publications: (PMID: 26968897)

Labcorp Genetics (formerly Invitae), Labcorp
Classification: Uncertain significance for Progressive sclerosing poliodystrophy. Last evaluated: 2024-11-21. Review status: criteria provided, single submitter. Criteria: Invitae Variant Classification Sherloc (09022015). Collection method: clinical testing. Allele origin: germline.
Comment: This sequence change replaces arginine, which is basic and polar, with tryptophan, which is neutral and slightly polar, at codon 628 of the POLG protein (p.Arg628Trp). This variant is present in population databases (rs754245040, gnomAD 0.06%). This variant has not been reported in the literature in individuals affected with POLG-related conditions. ClinVar contains an entry for this variant (Variation ID: 458698). Invitae Evidence Modeling of protein sequence and biophysical properties (such as structural, functional, and spatial information, amino acid conservation, physicochemical variation, residue mobility, and thermodynamic stability) has been performed for this missense variant. However, the output from this modeling did not meet the statistical confidence thresholds required to predict the impact of this variant on POLG protein function. In summary, the available evidence is currently insufficient to determine the role of this variant in disease. Therefore, it has been classified as a Variant of Uncertain Significance.

Fulgent Genetics
Classification: Uncertain significance for Progressive external ophthalmoplegia with mitochondrial DNA deletions, autosomal dominant 1; Progressive sclerosing poliodystrophy; Progressive external ophthalmoplegia with mitochondrial DNA deletions, autosomal recessive 1; Mitochondrial DNA depletion syndrome 1; Sensory ataxic neuropathy, dysarthria, and ophthalmoparesis; Mitochondrial DNA depletion syndrome 4b. Last evaluated: 2021-10-22. Review status: criteria provided, single submitter. Criteria: ACMG Guidelines, 2015. Collection method: clinical testing. Allele origin: unknown.

NM_002693.3(POLG):c.1882C>T (p.Arg628Trp)

Gene: POLG (DNA polymerase gamma, catalytic subunit; minus strand). Cytogenetic location: 15q26.1.
Variant type: single nucleotide variant.
Coding change: c.1882C>T on transcript NM_002693.3 (MANE Select); coding-DNA position 1882, C replaced by T.
Protein change: p.Arg628Trp; replaces arginine 628 with tryptophan.
Molecular consequence: missense variant.
Genome position (GRCh38, 1-based): chr15:89,325,517, G>A on the plus strand (C>T on the coding strand, the complement: POLG is on the minus strand). VCF-style: chr15-89325517-G-A. GRCh37 (hg19) VCF-style: chr15-89868748-G-A.
Other names: c.1882C>T, p.Arg628Trp (NM_001126131.2); short protein forms R628W.
Identifiers: ClinVar variation 458698 (VCV000458698.13), dbSNP rs754245040, ClinGen allele CA7724668.